The following is an entry in ClinVar:

NM_000256.3(MYBPC3):c.2187C>T (p.Thr729=)

Gene: MYBPC3 (myosin binding protein C3; minus strand). Cytogenetic location: 11p11.2.
Variant type: single nucleotide variant.
Coding change: c.2187C>T on transcript NM_000256.3 (MANE Select); coding-DNA position 2187, C replaced by T.
Protein change: p.Thr729=; no amino-acid change (threonine 729 retained).
Molecular consequence: synonymous variant.
Genome position (GRCh38, 1-based): chr11:47,338,641, G>A on the plus strand (C>T on the coding strand, the complement: MYBPC3 is on the minus strand). VCF-style: chr11-47338641-G-A. GRCh37 (hg19) VCF-style: chr11-47360192-G-A.
Identifiers: ClinVar variation 924194 (VCV000924194.13), dbSNP rs765983279, ClinGen allele CA078574.

ClinVar aggregate classification (germline): Likely benign. Review status: criteria provided, multiple submitters, no conflicts (2 of 4 stars). 4 submissions from 4 submitters: Likely benign (4). Last evaluated 2026-02-01.

Conditions:
Cardiomyopathy (CMYO). Also called: Cardiomyopathies. Identifiers: Orphanet 167848, MedGen C0878544, MONDO:0004994, HP:0001638. Inheritance: Various modes of inheritance.
Hypertrophic cardiomyopathy. Also called: HYPERTROPHIC MYOCARDIOPATHY. Identifiers: Orphanet 217569, MedGen C0007194, MeSH D002312, MONDO:0005045, HP:0001639.
Cardiovascular phenotype. Identifiers: MedGen CN230736.

Allele frequency attached by ClinVar (database versions not stated): gnomAD 0.00001; gnomAD exomes 0.00001 and 0.00007; TOPMed 0.00003; ExAC 0.00004.
gnomAD v4.1: 22 of 1,613,728 alleles (0.0014%); highest among the groups gnomAD compares: Admixed American, 0.033%; no homozygotes.

Submissions (4):

Labcorp Genetics (formerly Invitae), Labcorp
Classification: Likely benign for Hypertrophic cardiomyopathy. Last evaluated: 2026-02-01. Review status: criteria provided, single submitter. Criteria: Invitae Variant Classification Sherloc (09022015). Collection method: clinical testing. Allele origin: germline.

All of Us Research Program, National Institutes of Health
Classification: Likely benign for Hypertrophic cardiomyopathy. Last evaluated: 2024-01-11. Review status: criteria provided, single submitter. Criteria: ACMG Guidelines, 2015. Collection method: clinical testing. Allele origin: germline. Inheritance: Autosomal dominant inheritance. Observed: 11 variant alleles, 11 heterozygotes.
Comment: This study involves interpretation of variants in research participants for the purpose of population health screening. Participant phenotype was not available at the time of variant classification. Additional details can be found in publication PMID: 35346344, PMCID: PMC8962531

Ambry Genetics
Classification: Likely benign for Cardiovascular phenotype. Last evaluated: 2019-11-05. Review status: criteria provided, single submitter. Criteria: Ambry Variant Classification Scheme 2023. Collection method: clinical testing. Allele origin: germline.

Color Diagnostics, LLC DBA Color Health
Classification: Likely benign for Cardiomyopathy. Last evaluated: 2019-06-22. Review status: criteria provided, single submitter. Criteria: ACMG Guidelines, 2015. Collection method: clinical testing. Allele origin: germline.